The following is an entry in ClinVar:

NM_000038.6(APC):c.8487A>C (p.Gln2829His)

Gene: APC (APC regulator of Wnt signaling pathway; plus strand). Cytogenetic location: 5q22.2.
Variant type: single nucleotide variant.
Coding change: c.8487A>C on transcript NM_000038.6 (MANE Select); coding-DNA position 8487, A replaced by C.
Protein change: p.Gln2829His; replaces glutamine 2829 with histidine.
Molecular consequence: missense variant.
Genome position (GRCh38, 1-based): chr5:112,844,081, A>C. VCF-style: chr5-112844081-A-C. GRCh37 (hg19) VCF-style: chr5-112179778-A-C.
Other names: c.8487A>C, p.Gln2829His (NM_001127510.3, NM_001354895.2); c.8433A>C, p.Gln2811His (NM_001127511.3); c.8541A>C, p.Gln2847His (NM_001354896.2); c.8517A>C, p.Gln2839His (NM_001354897.2); c.8412A>C, p.Gln2804His (NM_001354898.2); c.8403A>C, p.Gln2801His (NM_001354899.2); c.8364A>C, p.Gln2788His (NM_001354900.2); c.8310A>C, p.Gln2770His (NM_001354901.2); and 5 more; short protein forms Q2703H, Q2770H, Q2811H, Q2847H, Q2546H, Q2728H, Q2839H, Q2669H.
Identifiers: ClinVar variation 942765 (VCV000942765.11), dbSNP rs1766760123, ClinGen allele CA16039741.

ClinVar aggregate classification (germline): Uncertain significance (1 of 4 stars; one submission).

Conditions:
Familial adenomatous polyposis 1 (FAP1). Also called: POLYPOSIS, ADENOMATOUS INTESTINAL; FAMILIAL ADENOMATOUS POLYPOSIS 1, ATTENUATED. Identifiers: MedGen C2713442, MONDO:0021056, OMIM 175100. Disease mechanism: loss of function.

Submission:

Labcorp Genetics (formerly Invitae), Labcorp
Classification: Uncertain significance for Familial adenomatous polyposis 1. Last evaluated: 2019-09-01. Review status: criteria provided, single submitter. Criteria: Invitae Variant Classification Sherloc (09022015). Collection method: clinical testing. Allele origin: germline.
Comment: In summary, the available evidence is currently insufficient to determine the role of this variant in disease. Therefore, it has been classified as a Variant of Uncertain Significance. Algorithms developed to predict the effect of missense changes on protein structure and function are either unavailable or do not agree on the potential impact of this missense change (SIFT: "Deleterious"; PolyPhen-2: "Probably Damaging"; Align-GVGD: "Class C0"). This variant has not been reported in the literature in individuals with APC-related conditions. This variant is not present in population databases (ExAC no frequency). This sequence change replaces glutamine with histidine at codon 2829 of the APC protein (p.Gln2829His). The glutamine residue is highly conserved and there is a small physicochemical difference between glutamine and histidine.